The following is an entry in ClinVar:

ClinVar aggregate classification (germline): Uncertain significance. Review status: criteria provided, multiple submitters, no conflicts (2 of 4 stars). 3 submissions from 3 submitters: Uncertain significance (3). Last evaluated 2026-09-15.

Conditions:
PCNT-related disorder. Also called: PCNT-related condition.
Microcephalic osteodysplastic primordial dwarfism type II (MOPD2). Also called: Microcephalic osteodysplastic primordial dwarfism with tooth abnormalities; MOPD II; OSTEODYSPLASTIC PRIMORDIAL DWARFISM, TYPE II. Identifiers: Orphanet 2637, MedGen C0432246, MONDO:0008872, OMIM 210720.

Allele frequency attached by ClinVar (database versions not stated): gnomAD exomes 0.00001 and 0.00003; ExAC 0.00004; ESP Exome Variant Server 0.00015; gnomAD 0.00015; TOPMed 0.00019; 1000 Genomes Project 0.00040; 1000 Genomes Project 30x 0.00047.
gnomAD v4.1: 40 of 1,614,110 alleles (0.0025%); highest among the groups gnomAD compares: African/African-American, 0.033%; no homozygotes.

Submissions (3):

PreventionGenetics, part of Exact Sciences
Classification: Uncertain significance for PCNT-related condition. Last evaluated: 2026-09-15. Review status: criteria provided, single submitter. Criteria: ACMG Guidelines, 2015. Collection method: clinical testing. Allele origin: germline.
Comment: The PCNT c.9584G>A variant is predicted to result in the amino acid substitution p.Arg3195Lys. To our knowledge, this variant has not been reported in the literature. This variant is reported in 0.036% of alleles in individuals of African descent in gnomAD. At this time, the clinical significance of this variant is uncertain due to the absence of conclusive functional and genetic evidence.

Labcorp Genetics (formerly Invitae), Labcorp
Classification: Uncertain significance. Last evaluated: 2024-09-15. Review status: criteria provided, single submitter. Criteria: Invitae Variant Classification Sherloc (09022015). Collection method: clinical testing. Allele origin: germline.
Comment: This sequence change replaces arginine, which is basic and polar, with lysine, which is basic and polar, at codon 3195 of the PCNT protein (p.Arg3195Lys). This variant is present in population databases (rs78524660, gnomAD 0.03%). This variant has not been reported in the literature in individuals affected with PCNT-related conditions. ClinVar contains an entry for this variant (Variation ID: 159693). An algorithm developed to predict the effect of missense changes on protein structure and function outputs the following: PolyPhen-2: "Benign". The lysine amino acid residue is found in multiple mammalian species, which suggests that this missense change does not adversely affect protein function. In summary, the available evidence is currently insufficient to determine the role of this variant in disease. Therefore, it has been classified as a Variant of Uncertain Significance.

Genetic Services Laboratory, University of Chicago
Classification: Uncertain significance for Microcephalic osteodysplastic primordial dwarfism, type II. Last evaluated: 2013-02-08. Review status: criteria provided, single submitter. Criteria: ACMG Guidelines, 2007. Collection method: clinical testing. Allele origin: germline. Inheritance: Autosomal recessive inheritance.

NM_006031.6(PCNT):c.9584G>A (p.Arg3195Lys)

Gene: PCNT (pericentrin; plus strand). Cytogenetic location: 21q22.3.
Variant type: single nucleotide variant.
Coding change: c.9584G>A on transcript NM_006031.6 (MANE Select); coding-DNA position 9584, G replaced by A.
Protein change: p.Arg3195Lys; replaces arginine 3195 with lysine.
Molecular consequence: missense variant.
Genome position (GRCh38, 1-based): chr21:46,441,045, G>A. VCF-style: chr21-46441045-G-A. GRCh37 (hg19) VCF-style: chr21-47860958-G-A.
Other names: c.8993G>A, p.Arg2998Lys (NM_001315529.2); short protein forms R3195K, R2998K.
Identifiers: ClinVar variation 159693 (VCV000159693.11), dbSNP rs78524660, ClinGen allele CA251130.